The following is an entry in ClinVar:

NM_001253697.2(ERBIN):c.2897A>G (p.Gln966Arg)

Gene: ERBIN (erbb2 interacting protein; plus strand). Cytogenetic location: 5q12.3.
Variant type: single nucleotide variant.
Coding change: c.2897A>G on transcript NM_001253697.2 (MANE Select); coding-DNA position 2897, A replaced by G.
Protein change: p.Gln966Arg; replaces glutamine 966 with arginine.
Molecular consequence: missense variant.
Genome position (GRCh38, 1-based): chr5:66,054,215, A>G. VCF-style: chr5-66054215-A-G. GRCh37 (hg19) VCF-style: chr5-65350043-A-G.
Other names: c.2897A>G, p.Gln966Arg (NM_001253699.2, NM_001006600.3, NM_001253698.2 and 1 more transcripts); c.2885A>G, p.Gln962Arg (NM_001253701.2); short protein forms Q962R, Q966R.
Identifiers: ClinVar variation 3609912 (VCV003609912.2).

ClinVar aggregate classification (germline): Uncertain significance (1 of 4 stars; one submission).

gnomAD v4.1: 13 of 1,614,148 alleles (0.00081%); highest among the groups gnomAD compares: African/African-American, 0.017%; no homozygotes.

Submission:

Labcorp Genetics (formerly Invitae), Labcorp
Classification: Uncertain significance. Last evaluated: 2024-08-06. Review status: criteria provided, single submitter. Criteria: Invitae Variant Classification Sherloc (09022015). Collection method: clinical testing. Allele origin: germline.
Comment: This sequence change replaces glutamine, which is neutral and polar, with arginine, which is basic and polar, at codon 966 of the ERBIN protein (p.Gln966Arg). This variant is present in population databases (rs192600296, gnomAD 0.03%). This variant has not been reported in the literature in individuals affected with ERBIN-related conditions. An algorithm developed to predict the effect of missense changes on protein structure and function (PolyPhen-2) suggests that this variant is likely to be tolerated. In summary, the available evidence is currently insufficient to determine the role of this variant in disease. Therefore, it has been classified as a Variant of Uncertain Significance.